The following is an entry in ClinVar:

ClinVar aggregate classification (germline): Uncertain significance (1 of 4 stars; one submission).

Conditions:
Fanconi anemia (FA). Also called: Fanconi's anemia. Identifiers: Orphanet 84, MedGen C0015625, MeSH D005199, MONDO:0019391.

Allele frequency attached by ClinVar (database versions not stated): gnomAD exomes 0.00001.
gnomAD v4.1: 5 of 1,614,186 alleles (0.00031%); highest among the groups gnomAD compares: Non-Finnish European, 0.00042%; no homozygotes.

Submission:

Labcorp Genetics (formerly Invitae), Labcorp
Classification: Uncertain significance for Fanconi anemia. Last evaluated: 2022-04-08. Review status: criteria provided, single submitter. Criteria: Invitae Variant Classification Sherloc (09022015). Collection method: clinical testing. Allele origin: germline.
Comment: In summary, the available evidence is currently insufficient to determine the role of this variant in disease. Therefore, it has been classified as a Variant of Uncertain Significance. Algorithms developed to predict the effect of missense changes on protein structure and function (SIFT, PolyPhen-2, Align-GVGD) all suggest that this variant is likely to be disruptive. This variant has not been reported in the literature in individuals affected with FANCC-related conditions. This variant is not present in population databases (gnomAD no frequency). This sequence change replaces leucine, which is neutral and non-polar, with proline, which is neutral and non-polar, at codon 412 of the FANCC protein (p.Leu412Pro).

NM_000136.3(FANCC):c.1235T>C (p.Leu412Pro)

Genes: AOPEP (aminopeptidase O (putative); plus strand), FANCC (FA complementation group C; minus strand). Cytogenetic location: 9q22.32.
Variant type: single nucleotide variant.
Coding change: c.1235T>C on transcript NM_000136.3 (MANE Select); coding-DNA position 1235, T replaced by C.
Protein change: p.Leu412Pro; replaces leucine 412 with proline.
Molecular consequence: missense variant.
Genome position (GRCh38, 1-based): chr9:95,111,557, A>G on the plus strand (T>C on the coding strand, the complement: FANCC is on the minus strand). VCF-style: chr9-95111557-A-G. GRCh37 (hg19) VCF-style: chr9-97873839-A-G.
Other names: c.1235T>C, p.Leu412Pro (NM_001243743.2, NM_001243744.2); short protein forms L412P.
Identifiers: ClinVar variation 2122932 (VCV002122932.4), dbSNP rs2540886362, ClinGen allele CA374107407.
Genomic context (GRCh38, chr9:95,111,557, plus strand): 5'-GGGCCGTAGTAGAAGGCCAAGAGCCACAGCAGGGCCGTGGGGGGTTCGGCTGCCGACATC[A>G]GTAATTGCTCTGCCACCATCTCAGCCCATCCTCCGAAGTGAATGAACAGGAACCAGCTCT-3'
Protein context (NP_000127.2, residues 402-422): GWAEMVAEQL[Leu412Pro]MSAAEPPTAL